The following is an entry in ClinVar:

ClinVar aggregate classification (germline): Benign. Review status: criteria provided, multiple submitters, no conflicts (2 of 4 stars). 3 submissions from 3 submitters: Benign (3). Last evaluated 2023-07-01.

Allele frequency attached by ClinVar (database versions not stated): 1000 Genomes Project 0.00339; 1000 Genomes Project 30x 0.00390; ExAC 0.00782; gnomAD exomes 0.00786 and 0.01259; gnomAD 0.00815 and 0.00840; TOPMed 0.00841; ESP Exome Variant Server 0.01122.
gnomAD v4.1: 19,522 of 1,613,746 alleles (1.2%); highest among the groups gnomAD compares: Non-Finnish European, 1.5%; 172 homozygotes.

Submissions (3):

CeGaT Center for Human Genetics Tuebingen
Classification: Benign. Last evaluated: 2023-07-01. Review status: criteria provided, single submitter. Criteria: CeGaT Center For Human Genetics Tuebingen Variant Classification Criteria Version 2. Collection method: clinical testing. Allele origin: germline. Affected: yes. Observed: 1 variant allele.
Comment: MIA3: BP4, BS1, BS2

Labcorp Genetics (formerly Invitae), Labcorp
Classification: Benign. Last evaluated: 2018-06-06. Review status: criteria provided, single submitter. Criteria: Invitae Variant Classification Sherloc (09022015). Collection method: clinical testing. Allele origin: germline.

Breakthrough Genomics
Classification: Benign. Review status: criteria provided, single submitter. Criteria: ACMG Guidelines, 2015. Collection method: not provided. Allele origin: germline. Inheritance: Autosomal recessive inheritance. Affected: yes.

NM_198551.4(MIA3):c.1099A>T (p.Thr367Ser)

Gene: MIA3 (MIA SH3 domain ER export factor 3; plus strand). Cytogenetic location: 1q41.
Variant type: single nucleotide variant.
Coding change: c.1099A>T on transcript NM_198551.4 (MANE Select); coding-DNA position 1099, A replaced by T.
Protein change: p.Thr367Ser; replaces threonine 367 with serine.
Molecular consequence: missense variant.
Genome position (GRCh38, 1-based): chr1:222,628,319, A>T. VCF-style: chr1-222628319-A-T. GRCh37 (hg19) VCF-style: chr1-222801661-A-T.
Other names: c.1099A>T, p.Thr367Ser (NM_001324062.2, NM_001324063.2); c.607A>T, p.Thr203Ser (NM_001324064.2); short protein forms T203S, T367S.
Identifiers: ClinVar variation 782938 (VCV000782938.28), dbSNP rs142088763, ClinGen allele CA1406643.